The following is an entry in ClinVar:

ClinVar aggregate classification (germline): Uncertain significance (1 of 4 stars; one submission).

Conditions:
Cohen syndrome (COH1). Also called: PEPPER SYNDROME; Cutis verticis gyrata, retinitis pigmentosa, and sensorineural deafness. Identifiers: Orphanet 193, MedGen C0265223, MONDO:0008999, OMIM 216550.

Allele frequency attached by ClinVar (database versions not stated): gnomAD exomes below 0.00001 and 0.00001; TOPMed below 0.00001; gnomAD 0.00001; ExAC 0.00002.
gnomAD v4.1: 3 of 1,598,912 alleles (0.00019%); highest among the groups gnomAD compares: Non-Finnish European, 0.00026%; no homozygotes.

Submission:

Labcorp Genetics (formerly Invitae), Labcorp
Classification: Uncertain significance for Cohen syndrome. Last evaluated: 2020-11-24. Review status: criteria provided, single submitter. Criteria: Invitae Variant Classification Sherloc (09022015). Collection method: clinical testing. Allele origin: germline.
Comment: In summary, the available evidence is currently insufficient to determine the role of this variant in disease. Therefore, it has been classified as a Variant of Uncertain Significance. Algorithms developed to predict the effect of sequence changes on RNA splicing suggest that this variant may create or strengthen a splice site, but this prediction has not been confirmed by published transcriptional studies. This variant has not been reported in the literature in individuals with VPS13B-related conditions. This variant is present in population databases (rs773972779, ExAC 0.003%). This sequence change affects codon 195 of the VPS13B mRNA. It is a 'silent' change, meaning that it does not change the encoded amino acid sequence of the VPS13B protein.

NM_152564.5(VPS13B):c.585T>A (p.Thr195=)

Gene: VPS13B (vacuolar protein sorting 13 homolog B; plus strand). Cytogenetic location: 8q22.2.
Variant type: single nucleotide variant.
Coding change: c.585T>A on transcript NM_152564.5 (MANE Select); coding-DNA position 585, T replaced by A.
Protein change: p.Thr195=; no amino-acid change (threonine 195 retained).
Molecular consequence: synonymous variant. On other transcripts: non-coding transcript variant (1).
Genome position (GRCh38, 1-based): chr8:99,111,102, T>A. VCF-style: chr8-99111102-T-A. GRCh37 (hg19) VCF-style: chr8-100123330-T-A.
Other names: c.585T>A, p.Thr195= (NM_015243.3, NM_017890.5, NM_181661.3).
Identifiers: ClinVar variation 1488072 (VCV001488072.8), dbSNP rs773972779, ClinGen allele CA4822440.